The following is an entry in ClinVar:

ClinVar aggregate classification (germline): Uncertain significance (1 of 4 stars; one submission).

Submission:

Women's Health and Genetics/Laboratory Corporation of America, LabCorp
Classification: Uncertain significance. Last evaluated: 2026-04-29. Review status: criteria provided, single submitter. Criteria: LabCorp Variant Classification Summary - May 2015. Collection method: clinical testing. Allele origin: germline.
Comment: Variant summary: CDC42BPB c.4357C>T (p.Arg1453Trp) results in a non-conservative amino acid change in the encoded protein sequence. Algorithms developed to predict the effect of missense changes on protein structure and function are either unavailable or do not agree on the potential impact of this missense change. The variant allele was found at a frequency of 8e-06 in 249542 control chromosomes. The available data on variant occurrences in the general population are insufficient to allow any conclusion about variant significance. To our knowledge, no occurrence of c.4357C>T in individuals affected with CDC42BPB-related conditions and no experimental evidence demonstrating its impact on protein function have been reported. No submitters have cited clinical-significance assessments for this variant to ClinVar. Based on the evidence outlined above, the variant was classified as uncertain significance.

NM_006035.4(CDC42BPB):c.4357C>T (p.Arg1453Trp)

Gene: CDC42BPB (CDC42 binding protein kinase beta; minus strand). Cytogenetic location: 14q32.32.
Variant type: single nucleotide variant.
Coding change: c.4357C>T on transcript NM_006035.4 (MANE Select); coding-DNA position 4357, C replaced by T.
Protein change: p.Arg1453Trp; replaces arginine 1453 with tryptophan.
Molecular consequence: missense variant.
Genome position (GRCh38, 1-based): chr14:102,943,942, G>A on the plus strand (C>T on the coding strand, the complement: CDC42BPB is on the minus strand). VCF-style: chr14-102943942-G-A. GRCh37 (hg19) VCF-style: chr14-103410279-G-A.
Other names: c.4279C>T, p.Arg1427Trp (NM_001411054.1); short protein forms R1427W, R1453W.
Identifiers: ClinVar variation 4848498 (VCV004848498.1).